The following is an entry in ClinVar:

ClinVar aggregate classification (germline): Uncertain significance (1 of 4 stars; one submission).

Allele frequency attached by ClinVar (database versions not stated): gnomAD exomes below 0.00001; gnomAD 0.00001; TOPMed 0.00002.
gnomAD v4.1: 3 of 1,208,914 alleles (0.00025%); highest among the groups gnomAD compares: African/African-American, 0.0035%; no homozygotes.

Submission:

Greenwood Genetic Center Diagnostic Laboratories, Greenwood Genetic Center
Classification: Uncertain significance. Last evaluated: 2020-11-05. Review status: criteria provided, single submitter. Criteria: ACMG Guidelines, 2015. Collection method: clinical testing. Allele origin: germline. Affected: yes.
Comment: PM2

NM_001318510.2(ACSL4):c.533T>C (p.Ile178Thr)

Gene: ACSL4 (acyl-CoA synthetase long chain family member 4; minus strand). Cytogenetic location: Xq23.
Variant type: single nucleotide variant.
Coding change: c.533T>C on transcript NM_001318510.2 (MANE Select); coding-DNA position 533, T replaced by C.
Protein change: p.Ile178Thr; replaces isoleucine 178 with threonine.
Molecular consequence: missense variant.
Genome position (GRCh38, 1-based): chrX:109,681,120, A>G on the plus strand (T>C on the coding strand, the complement: ACSL4 is on the minus strand). VCF-style: chrX-109681120-A-G. GRCh37 (hg19) VCF-style: chrX-108924349-A-G.
Other names: c.656T>C, p.Ile219Thr (NM_001318509.2, NM_022977.3); c.533T>C, p.Ile178Thr (NM_004458.3); short protein forms I178T, I219T.
Identifiers: ClinVar variation 1331506 (VCV001331506.4), dbSNP rs1314721535, ClinGen allele CA414218119.